The following is an entry in ClinVar:

ClinVar aggregate classification (germline): Likely benign (1 of 4 stars; one submission).

Submission:

CeGaT Center for Human Genetics Tuebingen
Classification: Likely benign. Last evaluated: 2026-07-01. Review status: criteria provided, single submitter. Criteria: CeGaT Center For Human Genetics Tuebingen Variant Classification Criteria Version 2. Collection method: clinical testing. Allele origin: germline. Affected: yes. Observed: 1 variant allele.
Comment: NEB: PM2:Supporting, BP4, BP7

NM_001164508.2(NEB):c.1365T>C (p.Asp455=)

Gene: NEB (nebulin; minus strand). Cytogenetic location: 2q23.3.
Variant type: single nucleotide variant.
Coding change: c.1365T>C on transcript NM_001164508.2 (MANE Select); coding-DNA position 1365, T replaced by C.
Protein change: p.Asp455=; no amino-acid change (aspartic acid 455 retained).
Molecular consequence: synonymous variant.
Genome position (GRCh38, 1-based): chr2:151,697,350, A>G on the plus strand (T>C on the coding strand, the complement: NEB is on the minus strand). VCF-style: chr2-151697350-A-G. GRCh37 (hg19) VCF-style: chr2-152553864-A-G.
Other names: c.1365T>C, p.Asp455= (NM_001164507.2, NM_001271208.2, NM_004543.5).
Identifiers: ClinVar variation 5040296 (VCV005040296.1).